The following is an entry in ClinVar:

ClinVar aggregate classification (germline): Benign (1 of 4 stars; one submission).

Conditions:
Familial adenomatous polyposis 1 (FAP1). Also called: POLYPOSIS, ADENOMATOUS INTESTINAL; FAMILIAL ADENOMATOUS POLYPOSIS 1, ATTENUATED. Identifiers: MedGen C2713442, MONDO:0021056, OMIM 175100. Disease mechanism: loss of function.

Submission:

Myriad Genetics, Inc.
Classification: Benign for Familial adenomatous polyposis 1. Last evaluated: 2024-02-26. Review status: criteria provided, single submitter. Criteria: Myriad Autosomal Dominant, Autosomal Recessive and X-Linked Classification Criteria (2023). Collection method: clinical testing. Allele origin: unknown.
Comment: This variant is considered benign. This variant is a silent/synonymous amino acid change and it is not expected to impact splicing.

NM_000038.6(APC):c.694C>A (p.Arg232=)

Gene: APC (APC regulator of Wnt signaling pathway; plus strand). Cytogenetic location: 5q22.2.
Variant type: single nucleotide variant.
Coding change: c.694C>A on transcript NM_000038.6 (MANE Select); coding-DNA position 694, C replaced by A.
Protein change: p.Arg232=; no amino-acid change (arginine 232 retained).
Molecular consequence: synonymous variant. On other transcripts: 5 prime UTR variant (4), non-coding transcript variant (2), intron variant (5).
Genome position (GRCh38, 1-based): chr5:112,792,494, C>A. VCF-style: chr5-112792494-C-A. GRCh37 (hg19) VCF-style: chr5-112128191-C-A.
Other names: c.694C>A, p.Arg232= (NM_001354895.2, NM_001127510.3, NM_001354896.2 and 12 more transcripts); c.724C>A, p.Arg242= (NM_001354897.2, NM_001354902.2, NM_001407446.1); c.619C>A, p.Arg207= (NM_001354898.2, NM_001354904.2, NM_001407451.1); c.517C>A, p.Arg173= (NM_001354900.2, NM_001354901.2, NM_001354905.2 and 1 more transcripts); c.-342C>A (NM_001354906.2, NM_001407470.1, NM_001407471.1 and 1 more transcripts); c.646-8785C>A (NM_001407452.1, NM_001407469.1, NM_001354899.2 and 1 more transcripts); c.676-8785C>A (NM_001127511.3).
Identifiers: ClinVar variation 3148297 (VCV003148297.1), dbSNP rs397515734, ClinGen allele CA445755574.